The following is an entry in ClinVar:

ClinVar aggregate classification (germline): Uncertain significance. Review status: criteria provided, multiple submitters, no conflicts (2 of 4 stars). 2 submissions from 2 submitters: Uncertain significance (2). Last evaluated 2025-10-26.

Conditions:
Lethal congenital glycogen storage disease of heart. Also called: GLYCOGEN STORAGE DISEASE OF HEART; PHOSPHORYLASE KINASE DEFICIENCY OF HEART. Identifiers: Orphanet 439854, MedGen C1849813, MONDO:0009867, OMIM 261740.
Cardiovascular phenotype. Identifiers: MedGen CN230736.

Allele frequency attached by ClinVar (database versions not stated): gnomAD exomes below 0.00001.
gnomAD v4.1: 3 of 1,614,148 alleles (0.00019%); highest among the groups gnomAD compares: Non-Finnish European, 0.00025%; no homozygotes.

Submissions (2):

Labcorp Genetics (formerly Invitae), Labcorp
Classification: Uncertain significance for Lethal congenital glycogen storage disease of heart. Last evaluated: 2025-10-26. Review status: criteria provided, single submitter. Criteria: Invitae Variant Classification Sherloc (09022015). Collection method: clinical testing. Allele origin: germline.
Comment: This sequence change replaces serine, which is neutral and polar, with threonine, which is neutral and polar, at codon 208 of the PRKAG2 protein (p.Ser208Thr). This variant is not present in population databases (gnomAD no frequency). This variant has not been reported in the literature in individuals affected with PRKAG2-related conditions. ClinVar contains an entry for this variant (Variation ID: 533879). Invitae Evidence Modeling of protein sequence and biophysical properties (such as structural, functional, and spatial information, amino acid conservation, physicochemical variation, residue mobility, and thermodynamic stability) indicates that this missense variant is not expected to disrupt PRKAG2 protein function with a negative predictive value of 95%. In summary, the available evidence is currently insufficient to determine the role of this variant in disease. Therefore, it has been classified as a Variant of Uncertain Significance.

Ambry Genetics
Classification: Uncertain significance for Cardiovascular phenotype. Last evaluated: 2023-09-11. Review status: criteria provided, single submitter. Criteria: Ambry Variant Classification Scheme 2023. Collection method: clinical testing. Allele origin: germline.
Comment: The p.S208T variant (also known as c.622T>A), located in coding exon 4 of the PRKAG2 gene, results from a T to A substitution at nucleotide position 622. The serine at codon 208 is replaced by threonine, an amino acid with similar properties. This amino acid position is conserved. In addition, this alteration is predicted to be tolerated by in silico analysis. Since supporting evidence is limited at this time, the clinical significance of this alteration remains unclear.

NM_016203.4(PRKAG2):c.622T>A (p.Ser208Thr)

Gene: PRKAG2 (protein kinase AMP-activated non-catalytic subunit gamma 2; minus strand). Cytogenetic location: 7q36.1.
Variant type: single nucleotide variant.
Coding change: c.622T>A on transcript NM_016203.4 (MANE Select); coding-DNA position 622, T replaced by A.
Protein change: p.Ser208Thr; replaces serine 208 with threonine.
Molecular consequence: missense variant.
Genome position (GRCh38, 1-based): chr7:151,675,482, A>T on the plus strand (T>A on the coding strand, the complement: PRKAG2 is on the minus strand). VCF-style: chr7-151675482-A-T. GRCh37 (hg19) VCF-style: chr7-151372568-A-T.
Other names: c.250T>A, p.Ser84Thr (NM_001363698.2, NM_001304527.2); c.490T>A, p.Ser164Thr (NM_001040633.2); short protein forms S208T, S164T, S84T.
Identifiers: ClinVar variation 533879 (VCV000533879.10), dbSNP rs1554530665, ClinGen allele CA370187312.